The following is an entry in ClinVar:

NM_001330260.2(SCN8A):c.4826A>C (p.Tyr1609Ser)

Gene: SCN8A (sodium voltage-gated channel alpha subunit 8; plus strand). Cytogenetic location: 12q13.13.
Variant type: single nucleotide variant.
Coding change: c.4826A>C on transcript NM_001330260.2 (MANE Select); coding-DNA position 4826, A replaced by C.
Protein change: p.Tyr1609Ser; replaces tyrosine 1609 with serine.
Molecular consequence: missense variant.
Genome position (GRCh38, 1-based): chr12:51,806,312, A>C. VCF-style: chr12-51806312-A-C. GRCh37 (hg19) VCF-style: chr12-52200096-A-C.
Other names: c.4703A>C, p.Tyr1568Ser (NM_001177984.3, NM_001369788.1); c.4826A>C, p.Tyr1609Ser (NM_014191.4); short protein forms Y1568S, Y1609S.
Identifiers: ClinVar variation 2768945 (VCV002768945.3), dbSNP rs2540333572, ClinGen allele CA384880323.

ClinVar aggregate classification (germline): Uncertain significance (1 of 4 stars; one submission).

Conditions:
Early-infantile DEE. Also called: Ohtahara syndrome; Early infantile epileptic encephalopathy; Early infantile epileptic encephalopathy with suppression bursts. Identifiers: Orphanet 1934, MedGen C0393706, MONDO:0800491.

Submission:

Labcorp Genetics (formerly Invitae), Labcorp
Classification: Uncertain significance for Early-infantile DEE. Last evaluated: 2024-03-05. Review status: criteria provided, single submitter. Criteria: Invitae Variant Classification Sherloc (09022015). Collection method: clinical testing. Allele origin: germline.
Comment: This sequence change replaces tyrosine, which is neutral and polar, with serine, which is neutral and polar, at codon 1609 of the SCN8A protein (p.Tyr1609Ser). This variant is not present in population databases (gnomAD no frequency). This variant has not been reported in the literature in individuals affected with SCN8A-related conditions. Advanced modeling of protein sequence and biophysical properties (such as structural, functional, and spatial information, amino acid conservation, physicochemical variation, residue mobility, and thermodynamic stability) performed at Invitae indicates that this missense variant is expected to disrupt SCN8A protein function with a positive predictive value of 95%. In summary, the available evidence is currently insufficient to determine the role of this variant in disease. Therefore, it has been classified as a Variant of Uncertain Significance.